The following is an entry in ClinVar:

ClinVar aggregate classification (germline): Pathogenic. Review status: criteria provided, multiple submitters, no conflicts (2 of 4 stars). 10 submissions from 10 submitters: Pathogenic (9). 1 of the submissions does not count toward it. Last evaluated 2026-08-19.

Conditions:
POLG-related disorder. Also called: POLG-Related Spectrum Disorders; POLG-related condition; POLG-Related Disorders. Identifiers: MedGen C4763519.
Possible mitochondrial disorder - nuclear genes.
Sensory ataxic neuropathy, dysarthria, and ophthalmoparesis (SANDO). Also called: Epilepsy, progressive myoclonic, type 5; Sensory ataxic neuropathy-dysarthria-ophthalmoparesis syndrome; Ataxia Neuropathy Spectrum (ANS); SENSORY ATAXIC NEUROPATHY WITH MITOCHONDRIAL DNA DELETIONS, AUTOSOMAL RECESSIVE. Identifiers: Orphanet 70595, MedGen C1843851, MONDO:0011835, OMIM 607459.
Progressive external ophthalmoplegia with mitochondrial DNA deletions, autosomal dominant 1 (PEOA1). Also called: Autosomal Dominant Progressive External Ophthalmoplegia (adPEO); PROGRESSIVE EXTERNAL OPHTHALMOPLEGIA, AUTOSOMAL DOMINANT 1. Identifiers: MedGen C1834846, MONDO:0024528, OMIM 157640.
Mitochondrial DNA depletion syndrome 1. Also called: Mitochondrial DNA Depletion Syndrome, MNGIE Form; Mitochondrial DNA depletion syndrome 1 (MNGIE type); POLIP SYNDROME; POLYNEUROPATHY, OPHTHALMOPLEGIA, LEUKOENCEPHALOPATHY, AND INTESTINAL PSEUDOOBSTRUCTION; Mitochondrial Neurogastrointestinal Encephalopathy Disease; MNGIE, TYMP-RELATED. Identifiers: Orphanet 298, MedGen C4551995, MONDO:0011283, OMIM 603041.
Progressive sclerosing poliodystrophy (MTDPS4A). Also called: Alpers-Huttenlocher Syndrome (AHS); ALPERS PROGRESSIVE INFANTILE POLIODYSTROPHY; NEURONAL DEGENERATION OF CHILDHOOD WITH LIVER DISEASE, PROGRESSIVE; ALPERS DIFFUSE DEGENERATION OF CEREBRAL GRAY MATTER WITH HEPATIC CIRRHOSIS; Mitochondrial DNA depletion syndrome 4A (Alpers type); Alpers-Huttenlocher Syndrome. Identifiers: Orphanet 726, MedGen C0205710, MONDO:0008758, OMIM 203700.
Mitochondrial DNA depletion syndrome 4b. Also called: MNGIE, POLG-RELATED; Mitochondrial Neurogastrointestinal Encephalopathy Disease, POLG-Related. Identifiers: Orphanet 298, MedGen C3150914, MONDO:0013350, OMIM 613662.
Progressive external ophthalmoplegia with mitochondrial DNA deletions, autosomal recessive 1 (PEOB1). Also called: Autosomal Recessive Progressive External Ophthalmoplegia (arPEO); Progressive external ophthalmoplegia, autosomal recessive 1. Identifiers: Orphanet 254886, MedGen C4225153, MONDO:0009783, OMIM 258450.

Allele frequency attached by ClinVar (database versions not stated): gnomAD exomes below 0.00001; TOPMed below 0.00001; gnomAD 0.00001.
gnomAD v4.1: 7 of 1,613,060 alleles (0.00043%); highest among the groups gnomAD compares: South Asian, 0.0044%; no homozygotes.

Submissions (10):

Genetics Laboratory, Great Ormond Street Hospital NHS Foundation Trust, North Thames Genomic Laboratory Hub
Classification: Pathogenic for Possible mitochondrial disorder - nuclear genes. Last evaluated: 2026-08-19. Review status: criteria provided, single submitter. Criteria: ACGS Best Practice Guidelines for Variant Classification in Rare Disease 2024 v1.2. Collection method: clinical testing. Allele origin: germline. Affected: yes.
Comment: PM2_moderate, PP3_supporting, PM5_moderate, PS3_supporting, PM3_strong

Blueprint Genetics
Classification: Pathogenic for POLG-related disorders. Last evaluated: 2024-09-16. Review status: criteria provided, single submitter. Criteria: ACMG Guidelines, 2015. Collection method: clinical testing. Allele origin: germline. Affected: yes. Observed: 2 variant alleles.

Labcorp Genetics (formerly Invitae), Labcorp
Classification: Pathogenic for Progressive sclerosing poliodystrophy. Last evaluated: 2024-06-24. Review status: criteria provided, single submitter. Criteria: Invitae Variant Classification Sherloc (09022015). Collection method: clinical testing. Allele origin: germline.
Comment: This sequence change replaces arginine, which is basic and polar, with cysteine, which is neutral and slightly polar, at codon 309 of the POLG protein (p.Arg309Cys). This variant is not present in population databases (gnomAD no frequency). This missense change has been observed in individuals with autosomal recessive POLG-related conditions (PMID: 26077851, 26169155). It has also been observed to segregate with disease in related individuals. ClinVar contains an entry for this variant (Variation ID: 280375). Advanced modeling of protein sequence and biophysical properties (such as structural, functional, and spatial information, amino acid conservation, physicochemical variation, residue mobility, and thermodynamic stability) performed at Invitae indicates that this missense variant is expected to disrupt POLG protein function with a positive predictive value of 95%. Experimental studies have shown that this missense change affects POLG function (PMID: 26077851). This variant disrupts the p.Arg309 amino acid residue in POLG. Other variant(s) that disrupt this residue have been observed in individuals with POLG-related conditions (PMID: 16621917, 26077851), which suggests that this may be a clinically significant amino acid residue. For these reasons, this variant has been classified as Pathogenic.

Baylor Genetics
Classification: Pathogenic for Progressive sclerosing poliodystrophy. Last evaluated: 2023-04-04. Review status: criteria provided, single submitter. Criteria: ACMG Guidelines, 2015. Collection method: clinical testing. Allele origin: unknown.

Revvity Omics, Revvity
Classification: Pathogenic. Last evaluated: 2022-02-18. Review status: criteria provided, single submitter. Criteria: ACMG Guidelines, 2015. Collection method: clinical testing. Allele origin: germline.

Fulgent Genetics
Classification: Pathogenic for Progressive external ophthalmoplegia with mitochondrial DNA deletions, autosomal dominant 1; Progressive sclerosing poliodystrophy; Progressive external ophthalmoplegia with mitochondrial DNA deletions, autosomal recessive 1; Mitochondrial DNA depletion syndrome 1; Sensory ataxic neuropathy, dysarthria, and ophthalmoparesis; Mitochondrial DNA depletion syndrome 4b. Last evaluated: 2021-11-07. Review status: criteria provided, single submitter. Criteria: ACMG Guidelines, 2015. Collection method: clinical testing. Allele origin: unknown.

CeGaT Center for Human Genetics Tuebingen
Classification: Pathogenic. Last evaluated: 2018-04-01. Review status: criteria provided, single submitter. Criteria: CeGaT Center For Human Genetics Tuebingen Variant Classification Criteria Version 2. Collection method: clinical testing. Allele origin: germline. Affected: yes. Observed: 2 variant alleles.

Eurofins Ntd Llc (ga)
Classification: Pathogenic. Last evaluated: 2018-03-15. Review status: criteria provided, single submitter. Criteria: EGL ClinVar v180209 classification definitions. Collection method: clinical testing. Allele origin: germline. Observed: 1 variant allele, 1 heterozygote.

GeneDx
Classification: Pathogenic. Last evaluated: 2016-07-22. Review status: criteria provided, single submitter. Criteria: GeneDx Variant Classification (06012015). Collection method: clinical testing. Allele origin: germline. Affected: yes.
Comment: The R309C pathogenic variant in the POLG gene has been reported previously in the homozygous state in an individual with chronic intestinal pseudo-obstruction, abnormal MRI signaling of the white matter, and mitochondrial proliferation and defective cytochrome C oxidase histochemical staining on muscle biopsy (Amiot et al., 2009). It has also been reported in trans with another missense variant in an individual with sensory and motor neuropathy, ophthalmoparesis and stroke (Lam et al., 2015). Functional studies in a yeast strain with R309C (R265C) exhibited respiratory deficiency and increase of mitochondrial genome stability, which is due to loss of POLG enzyme function (Kaliszewska et al., 2015). The R309C variant is a non-conservative amino acid substitution, which is likely to impact secondary protein structure as these residues differ in polarity, charge, size and/or other properties. This substitution occurs at a position that is conserved across species. Additionally, other missense variants at this same residue (R309L, R309H) have been reported in the Human Gene Mutation Database in association with POLG-related disorders (Stenson et al., 2014), supporting the functional importance of this region of the protein. The R309C variant was not observed in approximately 6500 individuals of European and African American ancestry in the NHLBI Exome Sequencing Project, indicating it is not a common benign variant in these populations. We interpret R309C as a pathogenic variant.

Biochemical Molecular Genetic Laboratory, King Abdulaziz Medical City
Classification: Pathogenic for Progressive sclerosing poliodystrophy. Last evaluated: 2019-09-26. Review status: no assertion criteria provided. Collection method: clinical testing. Allele origin: germline. Affected: yes. Not counted in ClinVar's aggregate classification.

Literature cited by the submitters: PubMed 26077851 (cited by Labcorp Genetics (formerly Invitae), Labcorp and Eurofins Ntd Llc (ga)); PubMed 26169155 (cited by Labcorp Genetics (formerly Invitae), Labcorp and Eurofins Ntd Llc (ga)); PubMed 16621917 (cited by Labcorp Genetics (formerly Invitae), Labcorp); PubMed 19344718 (cited by Eurofins Ntd Llc (ga)).

NM_002693.3(POLG):c.925C>T (p.Arg309Cys)

Gene: POLG (DNA polymerase gamma, catalytic subunit; minus strand). Cytogenetic location: 15q26.1.
Variant type: single nucleotide variant.
Coding change: c.925C>T on transcript NM_002693.3 (MANE Select); coding-DNA position 925, C replaced by T.
Protein change: p.Arg309Cys; replaces arginine 309 with cysteine.
Molecular consequence: missense variant.
Genome position (GRCh38, 1-based): chr15:89,329,041, G>A on the plus strand (C>T on the coding strand, the complement: POLG is on the minus strand). VCF-style: chr15-89329041-G-A. GRCh37 (hg19) VCF-style: chr15-89872272-G-A.
Other names: c.925C>T, p.Arg309Cys (NM_001126131.2); short protein forms R309C.
Identifiers: ClinVar variation 280375 (VCV000280375.60), dbSNP rs886041592, ClinGen allele CA10603352.